The following is an entry in ClinVar:

NM_006009.4(TUBA1A):c.377C>T (p.Ala126Val)

Gene: TUBA1A (tubulin alpha 1a; minus strand). Cytogenetic location: 12q13.12.
Variant type: single nucleotide variant.
Coding change: c.377C>T on transcript NM_006009.4 (MANE Select); coding-DNA position 377, C replaced by T.
Protein change: p.Ala126Val; replaces alanine 126 with valine.
Molecular consequence: missense variant.
Genome position (GRCh38, 1-based): chr12:49,185,989, G>A on the plus strand (C>T on the coding strand, the complement: TUBA1A is on the minus strand). VCF-style: chr12-49185989-G-A. GRCh37 (hg19) VCF-style: chr12-49579772-G-A.
Other names: c.377C>T, p.Ala126Val (NM_001270399.2); c.272C>T, p.Ala91Val (NM_001270400.2); c.377C>T (NM_006009.2); short protein forms A126V, A91V.
Identifiers: ClinVar variation 1051617 (VCV001051617.10), dbSNP rs2121245288, ClinGen allele CA384642911.

ClinVar aggregate classification (germline): Conflicting classifications of pathogenicity. Review status: criteria provided, conflicting classifications (1 of 4 stars). 2 submissions from 2 submitters: Pathogenic (1); Uncertain significance (1). Last evaluated 2026-04-06.

Submissions (2):

GeneDx
Classification: Pathogenic. Last evaluated: 2026-04-06. Review status: criteria provided, single submitter. Criteria: GeneDx Variant Classification Process June 2021. Collection method: clinical testing. Allele origin: germline.
Comment: Not observed at significant frequency in large population cohorts (gnomAD); Missense variants in this gene are a common cause of disease and they are underrepresented in the general population; In silico analysis supports that this missense variant has a deleterious effect on protein structure/function; Has not been previously published as pathogenic or benign to our knowledge

Labcorp Genetics (formerly Invitae), Labcorp
Classification: Uncertain significance. Last evaluated: 2018-01-13. Review status: criteria provided, single submitter. Criteria: Invitae Variant Classification Sherloc (09022015). Collection method: clinical testing. Allele origin: germline.
Comment: In summary, the available evidence is currently insufficient to determine the role of this variant in disease. Therefore, it has been classified as a Variant of Uncertain Significance. Algorithms developed to predict the effect of missense changes on protein structure and function do not agree on the potential impact of this missense change (SIFT: "Deleterious"; PolyPhen-2: "Benign"; Align-GVGD: "Class C55"). This variant has not been reported in the literature in individuals with TUBA1A-related disease. This variant is not present in population databases (ExAC no frequency). This sequence change replaces alanine with valine at codon 126 of the TUBA1A protein (p.Ala126Val). The alanine residue is highly conserved and there is a small physicochemical difference between alanine and valine.